The following is an entry in ClinVar:

NM_001379500.1(COL18A1):c.1221+3G>A

Gene: COL18A1 (collagen type XVIII alpha 1 chain; plus strand). Cytogenetic location: 21q22.3.
Variant type: single nucleotide variant.
Coding change: c.1221+3G>A on transcript NM_001379500.1 (MANE Select); 3 bases into the intron after coding-DNA position 1221, G replaced by A.
Molecular consequence: intron variant.
Genome position (GRCh38, 1-based): chr21:45,477,968, G>A. VCF-style: chr21-45477968-G-A. GRCh37 (hg19) VCF-style: chr21-46897882-G-A.
Other names: c.2466+3G>A (NM_130444.3); c.1761+3G>A (NM_030582.4).
Identifiers: ClinVar variation 2096386 (VCV002096386.2), dbSNP rs980125870, ClinGen allele CA321916494.

ClinVar aggregate classification (germline): Uncertain significance (1 of 4 stars; one submission).

Allele frequency attached by ClinVar (database versions not stated): gnomAD 0.00002; gnomAD exomes below 0.00001; TOPMed 0.00002.
gnomAD v4.1: 4 of 1,445,118 alleles (0.00028%); highest among the groups gnomAD compares: African/African-American, 0.0042%; no homozygotes.

Submission:

Labcorp Genetics (formerly Invitae), Labcorp
Classification: Uncertain significance. Last evaluated: 2025-12-15. Review status: criteria provided, single submitter. Criteria: Invitae Variant Classification Sherloc (09022015). Collection method: clinical testing. Allele origin: germline.
Comment: This sequence change falls in intron 8 of the COL18A1 gene. It does not directly change the encoded amino acid sequence of the COL18A1 protein. It affects a nucleotide within the consensus splice site. This variant is present in population databases (no rsID available, gnomAD 0.01%). This variant has not been reported in the literature in individuals affected with COL18A1-related conditions. ClinVar contains an entry for this variant (Variation ID: 2096386). Variants that disrupt the consensus splice site are a relatively common cause of aberrant splicing (PMID: 17576681, 9536098). Algorithms developed to predict the effect of sequence changes on RNA splicing suggest that this variant is not likely to affect RNA splicing. In summary, the available evidence is currently insufficient to determine the role of this variant in disease. Therefore, it has been classified as a Variant of Uncertain Significance.

Literature cited by the submitters: PubMed 17576681; PubMed 9536098.